The following is an entry in ClinVar:

ClinVar aggregate classification (germline): Uncertain significance. Review status: criteria provided, multiple submitters, no conflicts (2 of 4 stars). 2 submissions from 2 submitters: Uncertain significance (2). Last evaluated 2025-12-01.

gnomAD v4.1: 7 of 1,613,338 alleles (0.00043%); highest among the groups gnomAD compares: Non-Finnish European, 0.00059%; no homozygotes.

Submissions (2):

CeGaT Center for Human Genetics Tuebingen
Classification: Uncertain significance. Last evaluated: 2025-12-01. Review status: criteria provided, single submitter. Criteria: CeGaT Center For Human Genetics Tuebingen Variant Classification Criteria Version 2. Collection method: clinical testing. Allele origin: germline. Affected: yes. Observed: 1 variant allele.
Comment: TTN: PM2:Supporting, BP4

GeneDx
Classification: Uncertain significance. Last evaluated: 2025-06-22. Review status: criteria provided, single submitter. Criteria: GeneDx Variant Classification Process June 2021. Collection method: clinical testing. Allele origin: germline. Affected: yes.
Comment: Has not been previously published as pathogenic or benign to our knowledge; Not observed at significant frequency in large population cohorts (gnomAD); In silico analysis suggests this variant may impact gene splicing. In the absence of RNA/functional studies, the actual effect of this sequence change is unknown.

NM_001267550.2(TTN):c.74501A>G (p.Lys24834Arg)

Genes: TTN (titin; minus strand), TTN-AS1 (TTN antisense RNA 1; plus strand). Cytogenetic location: 2q31.2.
Variant type: single nucleotide variant.
Coding change: c.74501A>G on transcript NM_001267550.2 (MANE Select); coding-DNA position 74501, A replaced by G.
Protein change: p.Lys24834Arg; replaces lysine 24834 with arginine.
Molecular consequence: missense variant.
Genome position (GRCh38, 1-based): chr2:178,571,631, T>C on the plus strand (A>G on the coding strand, the complement: TTN is on the minus strand). VCF-style: chr2-178571631-T-C. GRCh37 (hg19) VCF-style: chr2-179436358-T-C.
Other names: c.69578A>G, p.Lys23193Arg (NM_001256850.1); c.47306A>G, p.Lys15769Arg (NM_003319.4); c.66797A>G, p.Lys22266Arg (NM_133378.4); c.47681A>G, p.Lys15894Arg (NM_133432.3); c.47882A>G, p.Lys15961Arg (NM_133437.4); short protein forms K15769R, K15894R, K15961R, K22266R, K23193R, K24834R.
Identifiers: ClinVar variation 4538590 (VCV004538590.6).